The following is an entry in ClinVar:

ClinVar aggregate classification (germline): Likely benign. Review status: criteria provided, multiple submitters, no conflicts (2 of 4 stars). 3 submissions from 3 submitters: Likely benign (2). 1 of the submissions does not count toward it. Last evaluated 2026-01-26.

Conditions:
LAMA5-related disorder. Also called: LAMA5-Related Disorders; LAMA5-related condition.

Allele frequency attached by ClinVar (database versions not stated): ESP Exome Variant Server 0.00008.
gnomAD v4.1: 168 of 1,546,690 alleles (0.011%); highest among the groups gnomAD compares: South Asian, 0.11%; 2 homozygotes.

Submissions (3):

Labcorp Genetics (formerly Invitae), Labcorp
Classification: Likely benign. Last evaluated: 2026-01-26. Review status: criteria provided, single submitter. Criteria: Invitae Variant Classification Sherloc (09022015). Collection method: clinical testing. Allele origin: germline.

Blueprint Genetics
Classification: Likely benign. Last evaluated: 2024-11-13. Review status: criteria provided, single submitter. Criteria: ACMG Guidelines, 2015. Collection method: clinical testing. Allele origin: germline.

PreventionGenetics, part of Exact Sciences
Classification: Likely benign for LAMA5-related condition. Last evaluated: 2021-08-04. Review status: no assertion criteria provided. Collection method: clinical testing. Allele origin: germline. Not counted in ClinVar's aggregate classification.
Comment: This variant is classified as likely benign based on ACMG/AMP sequence variant interpretation guidelines (Richards et al. 2015 PMID: 25741868, with internal and published modifications).

NM_005560.6(LAMA5):c.6840G>A (p.Ala2280=)

Gene: LAMA5 (laminin subunit alpha 5; minus strand). Cytogenetic location: 20q13.33.
Variant type: single nucleotide variant.
Coding change: c.6840G>A on transcript NM_005560.6 (MANE Select); coding-DNA position 6840, G replaced by A.
Protein change: p.Ala2280=; no amino-acid change (alanine 2280 retained).
Molecular consequence: synonymous variant.
Genome position (GRCh38, 1-based): chr20:62,319,715, C>T on the plus strand (G>A on the coding strand, the complement: LAMA5 is on the minus strand). VCF-style: chr20-62319715-C-T. GRCh37 (hg19) VCF-style: chr20-60894771-C-T.
Other names: c.6840G>A (NM_005560.4).
Identifiers: ClinVar variation 1547460 (VCV001547460.11), dbSNP rs148683446, ClinGen allele CA9941535.
Genomic context (GRCh38, chr20:62,319,715, plus strand): 5'-GCCCTGAGCCTGGCTGGGCTGGCCCCTACCGCTCAGGGTGCGGTCCACAGCCCGGATGGC[C>T]GCCAACAGCGTCTTCGCATGGCCCAGTGTGGCCTCGGTGCCGGCCAGCAATTGGCTCGCC-3'
Protein context (NP_005551.3, residues 2270-2290): ATLGHAKTLL[Ala2280=]AIRAVDRTLS